The following is an entry in ClinVar:

ClinVar aggregate classification (germline): Pathogenic (1 of 4 stars; one submission).

Submission:

Labcorp Genetics (formerly Invitae), Labcorp
Classification: Pathogenic. Last evaluated: 2024-11-14. Review status: criteria provided, single submitter. Criteria: Invitae Variant Classification Sherloc (09022015). Collection method: clinical testing. Allele origin: germline.
Comment: This sequence change creates a premature translational stop signal (p.Asn764Lysfs*4) in the LCT gene. It is expected to result in an absent or disrupted protein product. Loss-of-function variants in LCT are known to be pathogenic (PMID: 16400612, 25881162). This variant is not present in population databases (gnomAD no frequency). This variant has not been reported in the literature in individuals affected with LCT-related conditions. Algorithms developed to predict the effect of sequence changes on RNA splicing suggest that this variant may disrupt the consensus splice site. For these reasons, this variant has been classified as Pathogenic.

Literature cited by the submitters: PubMed 16400612; PubMed 25881162.

NM_002299.4(LCT):c.2291dup (p.Asn764fs)

Gene: LCT (lactase; minus strand). Cytogenetic location: 2q21.3.
Variant type: Duplication.
Coding change: c.2291dup on transcript NM_002299.4 (MANE Select); coding-DNA position 2291, one base duplicated (A; older notation c.2291dupA).
Protein change: p.Asn764fs; shifts the reading frame from asparagine 764.
Molecular consequence: frameshift variant.
Genome position (GRCh38, 1-based): chr2:135,812,373, T duplicated on the plus strand (A on the coding strand, the reverse complement: LCT is on the minus strand); the first of 4 consecutive T bases (chr2:135,812,373-135,812,376); duplicating any one gives the same sequence. VCF-style (leftmost placement, unchanged base first): chr2-135812372-A-AT. GRCh37 (hg19) VCF-style: chr2-136569942-A-AT.
Other names: short protein forms N764fs.
Identifiers: ClinVar variation 3689437 (VCV003689437.2).